The following is an entry in ClinVar:

NM_001379110.1(SLC9A6):c.-57+59C>T

Genes: SLC9A6 (solute carrier family 9 member A6; plus strand), LOC130068746 (ATAC-STARR-seq lymphoblastoid silent region 21025; plus strand). Cytogenetic location: Xq26.3.
Variant type: single nucleotide variant.
Coding change: c.-57+59C>T on transcript NM_001379110.1 (MANE Select); 59 bases into the intron after 57 bases upstream of the start codon, C replaced by T.
Molecular consequence: intron variant. On other transcripts: missense variant (2).
Genome position (GRCh38, 1-based): chrX:135,985,536, C>T. VCF-style: chrX-135985536-C-T. GRCh37 (hg19) VCF-style: chrX-135067695-C-T.
Other names: c.34C>T, p.Arg12Cys (NM_001042537.2, NM_006359.3); c.-35-88C>T (NM_001400909.1); c.-56-67C>T (NM_001400910.1, NM_001400911.1); c.-57+59C>T (NM_001177651.2, NM_001400913.1); c.-57+64C>T (NM_001400912.1, NM_001330652.2); short protein forms R12C.
Identifiers: ClinVar variation 3703049 (VCV003703049.2).

ClinVar aggregate classification (germline): Uncertain significance (1 of 4 stars; one submission).

Conditions:
Christianson syndrome (MRXSCH). Also called: X-linked mental retardation, syndromic, Christianson type; SLC9A6-Related Syndromic Mental Retardation; INTELLECTUAL DEVELOPMENTAL DISORDER, X-LINKED, SYNDROMIC, CHRISTIANSON TYPE. Identifiers: Orphanet 85278, MedGen C2678194, MONDO:0010278, OMIM 300243.

Submission:

Labcorp Genetics (formerly Invitae), Labcorp
Classification: Uncertain significance for Christianson syndrome. Last evaluated: 2024-11-22. Review status: criteria provided, single submitter. Criteria: Invitae Variant Classification Sherloc (09022015). Collection method: clinical testing. Allele origin: germline.
Comment: This sequence change replaces arginine, which is basic and polar, with cysteine, which is neutral and slightly polar, at codon 12 of the SLC9A6 protein (p.Arg12Cys). This variant is not present in population databases (gnomAD no frequency). This variant has not been reported in the literature in individuals affected with SLC9A6-related conditions. Experimental studies and prediction algorithms are not available or were not evaluated, and the functional significance of this variant is currently unknown. In summary, the available evidence is currently insufficient to determine the role of this variant in disease. Therefore, it has been classified as a Variant of Uncertain Significance.